The following is an entry in ClinVar:

NM_007254.4(PNKP):c.1561G>A (p.Gly521Ser)

Gene: PNKP (polynucleotide kinase 3'-phosphatase; minus strand). Cytogenetic location: 19q13.33.
Variant type: single nucleotide variant.
Coding change: c.1561G>A on transcript NM_007254.4 (MANE Select); coding-DNA position 1561, G replaced by A.
Protein change: p.Gly521Ser; replaces glycine 521 with serine.
Molecular consequence: missense variant.
Genome position (GRCh38, 1-based): chr19:49,861,253, C>T on the plus strand (G>A on the coding strand, the complement: PNKP is on the minus strand). VCF-style: chr19-49861253-C-T. GRCh37 (hg19) VCF-style: chr19-50364510-C-T.
Other names: short protein forms G521S.
Identifiers: ClinVar variation 856315 (VCV000856315.7), dbSNP rs1289682803, ClinGen allele CA406932350.
Genomic context (GRCh38, chr19:49,861,253, plus strand): 5'-GCCGGCCAAGCTCAAGGAGAAACAGCGTTTATTGTGGAGGGGAGCTGGGCGGGGCTCAGC[C>T]CTCGGAGAACTGGCAGTACAGCCGCCCCAGCCTCGGCTCCACCCATAGCCGGAACGGGAT-3'
Protein context (NP_009185.2, residues 511-521): LGRLYCQFSE[Gly521Ser]

ClinVar aggregate classification (germline): Uncertain significance (1 of 4 stars; one submission).

Conditions:
Developmental and epileptic encephalopathy, 12 (DEE12). Identifiers: MedGen C3150988, MONDO:0013389, OMIM 613722.

Allele frequency attached by ClinVar (database versions not stated): gnomAD exomes below 0.00001 and 0.00001; gnomAD 0.00001.
gnomAD v4.1: 13 of 1,593,850 alleles (0.00082%); highest among the groups gnomAD compares: African/African-American, 0.0013%; no homozygotes.

Submission:

Labcorp Genetics (formerly Invitae), Labcorp
Classification: Uncertain significance for Developmental and epileptic encephalopathy, 12. Last evaluated: 2022-08-16. Review status: criteria provided, single submitter. Criteria: Invitae Variant Classification Sherloc (09022015). Collection method: clinical testing. Allele origin: germline.
Comment: This sequence change replaces glycine, which is neutral and non-polar, with serine, which is neutral and polar, at codon 521 of the PNKP protein (p.Gly521Ser). This variant has not been reported in the literature in individuals affected with PNKP-related conditions. Algorithms developed to predict the effect of missense changes on protein structure and function are either unavailable or do not agree on the potential impact of this missense change (SIFT: "Tolerated"; PolyPhen-2: "Probably Damaging"; Align-GVGD: "Class C0"). In summary, the available evidence is currently insufficient to determine the role of this variant in disease. Therefore, it has been classified as a Variant of Uncertain Significance.